The following is an entry in ClinVar:

ClinVar aggregate classification (germline): Uncertain significance (1 of 4 stars; one submission).

Conditions:
Mosaic variegated aneuploidy syndrome 1 (MVA1). Also called: Warburton-Anyane-Yeboa syndrome. Identifiers: Orphanet 1052, MedGen C1850343, MONDO:0009759, OMIM 257300.

Submission:

Labcorp Genetics (formerly Invitae), Labcorp
Classification: Uncertain significance for Mosaic variegated aneuploidy syndrome 1. Last evaluated: 2025-09-08. Review status: criteria provided, single submitter. Criteria: Invitae Variant Classification Sherloc (09022015). Collection method: clinical testing. Allele origin: germline.
Comment: This variant, c.1232_1234del, results in the deletion of 1 amino acid(s) of the BUB1B protein (p.Ser411del), but otherwise preserves the integrity of the reading frame. This variant is not present in population databases (gnomAD no frequency). This variant has not been reported in the literature in individuals affected with BUB1B-related conditions. Experimental studies and prediction algorithms are not available or were not evaluated, and the functional significance of this variant is currently unknown. In summary, the available evidence is currently insufficient to determine the role of this variant in disease. Therefore, it has been classified as a Variant of Uncertain Significance.

NM_001211.6(BUB1B):c.1232_1234del (p.Ser411del)

Gene: BUB1B (BUB1 mitotic checkpoint serine/threonine kinase B; plus strand). Cytogenetic location: 15q15.1.
Variant type: Deletion.
Coding change: c.1232_1234del on transcript NM_001211.6 (MANE Select); coding-DNA positions 1232 to 1234, 3 bases deleted (CCT; older notation c.1232_1234delCCT).
Protein change: p.Ser411del; deletes serine 411.
Molecular consequence: inframe deletion.
Genome position (GRCh38, 1-based): chr15:40,196,718-40,196,720, CCT deleted; deleting any 3 consecutive bases within chr15:40,196,716-40,196,720 gives the same sequence; the c. name uses the placement nearest the transcript's 3' end. VCF-style (leftmost placement, unchanged base first): chr15-40196715-TCTC-T. GRCh37 (hg19) VCF-style: chr15-40488916-TCTC-T.
Other names: short protein forms S411del.
Identifiers: ClinVar variation 4755016 (VCV004755016.1).